The following is an entry in ClinVar:

ClinVar aggregate classification (germline): Uncertain significance. Review status: criteria provided, multiple submitters, no conflicts (2 of 4 stars). 2 submissions from 2 submitters: Uncertain significance (2). Last evaluated 2021-08-09.

Conditions:
Combined oxidative phosphorylation defect type 17. Also called: Combined oxidative phosphorylation deficiency 17. Identifiers: Orphanet 369913, MedGen C3809526, MONDO:0014190, OMIM 615440.
Inborn genetic diseases. Identifiers: MedGen C0950123, MeSH D030342.

Allele frequency attached by ClinVar (database versions not stated): TOPMed 0.00001.

Submissions (2):

Ambry Genetics
Classification: Uncertain significance for Inborn genetic diseases. Last evaluated: 2021-08-09. Review status: criteria provided, single submitter. Criteria: Ambry Variant Classification Scheme 2023. Collection method: clinical testing. Allele origin: germline.

Labcorp Genetics (formerly Invitae), Labcorp
Classification: Uncertain significance for Combined oxidative phosphorylation defect type 17. Last evaluated: 2021-03-18. Review status: criteria provided, single submitter. Criteria: Invitae Variant Classification Sherloc (09022015). Collection method: clinical testing. Allele origin: germline.
Comment: In summary, the available evidence is currently insufficient to determine the role of this variant in disease. Therefore, it has been classified as a Variant of Uncertain Significance. Algorithms developed to predict the effect of sequence changes on RNA splicing suggest that this variant may disrupt the consensus splice site, but this prediction has not been confirmed by published transcriptional studies. Algorithms developed to predict the effect of missense changes on protein structure and function are either unavailable or do not agree on the potential impact of this missense change (SIFT: "Deleterious"; PolyPhen-2: "Probably Damaging"; Align-GVGD: "Class C0"). This variant has not been reported in the literature in individuals with ELAC2-related conditions. This variant is not present in population databases (ExAC no frequency). This sequence change replaces arginine with serine at codon 435 of the ELAC2 protein (p.Arg435Ser). The arginine residue is moderately conserved and there is a moderate physicochemical difference between arginine and serine.

NM_018127.7(ELAC2):c.1305G>T (p.Arg435Ser)

Gene: ELAC2 (elaC ribonuclease Z 2; minus strand). Cytogenetic location: 17p12.
Variant type: single nucleotide variant.
Coding change: c.1305G>T on transcript NM_018127.7 (MANE Select); coding-DNA position 1305, G replaced by T.
Protein change: p.Arg435Ser; replaces arginine 435 with serine.
Molecular consequence: missense variant.
Genome position (GRCh38, 1-based): chr17:13,000,274, C>A on the plus strand (G>T on the coding strand, the complement: ELAC2 is on the minus strand). VCF-style: chr17-13000274-C-A. GRCh37 (hg19) VCF-style: chr17-12903591-C-A.
Other names: c.1185G>T, p.Arg395Ser (NM_001165962.2); c.1302G>T, p.Arg434Ser (NM_173717.2); c.1305G>T (NM_018127.6); short protein forms R395S, R434S, R435S.
Identifiers: ClinVar variation 1463049 (VCV001463049.7), dbSNP rs1205360358, ClinGen allele CA398225077.
Genomic context (GRCh38, chr17:13,000,274, plus strand): 5'-GTTGGGAAGCTGCAGCGCCTCAACTATGAATTCCTCAGGATTGCAAGTAATAATGGCATC[C>A]CTGCAGGAAGAGAGAGAAGCATCTCAGGTGACGGACAGGGTATATGGCCTCAGCAGACCC-3'
Protein context (NP_060597.4, residues 425-445): YQLRPRREWQ[Arg435Ser]DAIITCNPEE